The following is an entry in ClinVar:

NM_000321.3(RB1):c.2432G>A (p.Ser811Asn)

Gene: RB1 (RB transcriptional corepressor 1; plus strand). Cytogenetic location: 13q14.2.
Variant type: single nucleotide variant.
Coding change: c.2432G>A on transcript NM_000321.3 (MANE Select); coding-DNA position 2432, G replaced by A.
Protein change: p.Ser811Asn; replaces serine 811 with asparagine.
Molecular consequence: missense variant.
Genome position (GRCh38, 1-based): chr13:48,465,311, G>A. VCF-style: chr13-48465311-G-A. GRCh37 (hg19) VCF-style: chr13-49039447-G-A.
Other names: short protein forms S811N.
Identifiers: ClinVar variation 821268 (VCV000821268.13), dbSNP rs1220980701, ClinGen allele CA388167968.
Genomic context (GRCh38, chr13:48,465,311, plus strand): 5'-AGTTTCCTAGTTCACCCTTACGGATTCCTGGAGGGAACATCTATATTTCACCCCTGAAGA[G>A]TCCATATAAAATTTCAGAAGGTCTGCCAACACCAACAAAAATGACTCCAAGATCAAGGTG-3'
Protein context (NP_000312.2, residues 801-821): GGNIYISPLK[Ser811Asn]PYKISEGLPT

ClinVar aggregate classification (germline): Conflicting classifications of pathogenicity. Review status: criteria provided, conflicting classifications (1 of 4 stars). 3 submissions from 3 submitters: Uncertain significance (2); Likely benign (1). Last evaluated 2025-04-23.

Conditions:
Hereditary cancer-predisposing syndrome. Also called: Neoplastic Syndromes, Hereditary; Tumor predisposition; Hereditary Cancer Syndrome; Hereditary neoplastic syndrome. Identifiers: Orphanet 140162, MedGen C0027672, MeSH D009386, MONDO:0015356.
Malignant tumor of urinary bladder. Also called: Bladder cancer; Urinary bladder cancer; Urinary Bladder Neoplasms. Identifiers: MedGen C0005684, MONDO:0001187, OMIM 109800.
Retinoblastoma (RB1). Also called: RETINOBLASTOMA, SOMATIC. Identifiers: Orphanet 790, MedGen C0035335, MeSH D012175, MONDO:0008380, OMIM 180200, HP:0009919. Disease mechanism: loss of function. Inheritance: Both sporadic and heritable forms are tested..

Submissions (3):

Labcorp Genetics (formerly Invitae), Labcorp
Classification: Uncertain significance for Retinoblastoma. Last evaluated: 2025-04-23. Review status: criteria provided, single submitter. Criteria: Invitae Variant Classification Sherloc (09022015). Collection method: clinical testing. Allele origin: germline.
Comment: This sequence change replaces serine, which is neutral and polar, with asparagine, which is neutral and polar, at codon 811 of the RB1 protein (p.Ser811Asn). This variant is not present in population databases (gnomAD no frequency). This variant has not been reported in the literature in individuals affected with RB1-related conditions. ClinVar contains an entry for this variant (Variation ID: 821268). Invitae Evidence Modeling of protein sequence and biophysical properties (such as structural, functional, and spatial information, amino acid conservation, physicochemical variation, residue mobility, and thermodynamic stability) indicates that this missense variant is not expected to disrupt RB1 protein function with a negative predictive value of 80%. In summary, the available evidence is currently insufficient to determine the role of this variant in disease. Therefore, it has been classified as a Variant of Uncertain Significance.

Baylor Genetics
Classification: Uncertain significance for Malignant tumor of urinary bladder. Last evaluated: 2023-10-15. Review status: criteria provided, single submitter. Criteria: ACMG Guidelines, 2015. Collection method: clinical testing. Allele origin: unknown.

Ambry Genetics
Classification: Likely benign for Hereditary cancer-predisposing syndrome. Last evaluated: 2018-03-14. Review status: criteria provided, single submitter. Criteria: Ambry Variant Classification Scheme 2023. Collection method: clinical testing. Allele origin: germline.